The following is an entry in ClinVar:

ClinVar aggregate classification (germline): Uncertain significance (1 of 4 stars; one submission).

Conditions:
Baller-Gerold syndrome (BGS). Also called: CRANIOSYNOSTOSIS WITH RADIAL DEFECTS. Identifiers: Orphanet 1225, MedGen C0265308, MONDO:0009039, OMIM 218600.

Allele frequency attached by ClinVar (database versions not stated): gnomAD exomes below 0.00001; ExAC 0.00001; gnomAD 0.00001.
gnomAD v4.1: 5 of 1,560,028 alleles (0.00032%); highest among the groups gnomAD compares: Admixed American, 0.0019%; no homozygotes.

Submission:

Labcorp Genetics (formerly Invitae), Labcorp
Classification: Uncertain significance for Baller-Gerold syndrome. Last evaluated: 2025-08-11. Review status: criteria provided, single submitter. Criteria: Invitae Variant Classification Sherloc (09022015). Collection method: clinical testing. Allele origin: germline.
Comment: This sequence change replaces proline, which is neutral and non-polar, with serine, which is neutral and polar, at codon 142 of the RECQL4 protein (p.Pro142Ser). This variant is present in population databases (rs781248589, gnomAD 0.001%). This variant has not been reported in the literature in individuals affected with RECQL4-related conditions. ClinVar contains an entry for this variant (Variation ID: 459499). Invitae Evidence Modeling of protein sequence and biophysical properties (such as structural, functional, and spatial information, amino acid conservation, physicochemical variation, residue mobility, and thermodynamic stability) indicates that this missense variant is not expected to disrupt RECQL4 protein function with a negative predictive value of 80%. In summary, the available evidence is currently insufficient to determine the role of this variant in disease. Therefore, it has been classified as a Variant of Uncertain Significance.

NM_004260.4(RECQL4):c.424C>T (p.Pro142Ser)

Gene: RECQL4 (RecQ like helicase 4; minus strand). Cytogenetic location: 8q24.3.
Variant type: single nucleotide variant.
Coding change: c.424C>T on transcript NM_004260.4 (MANE Select); coding-DNA position 424, C replaced by T.
Protein change: p.Pro142Ser; replaces proline 142 with serine.
Molecular consequence: missense variant.
Genome position (GRCh38, 1-based): chr8:144,516,695, G>A on the plus strand (C>T on the coding strand, the complement: RECQL4 is on the minus strand). VCF-style: chr8-144516695-G-A. GRCh37 (hg19) VCF-style: chr8-145742079-G-A.
Other names: short protein forms P142S.
Identifiers: ClinVar variation 459499 (VCV000459499.5), dbSNP rs781248589, ClinGen allele CA4949300.